The following is an entry in ClinVar:

ClinVar aggregate classification (germline): Uncertain significance. Review status: criteria provided, multiple submitters, no conflicts (2 of 4 stars). 2 submissions from 2 submitters: Uncertain significance (2). Last evaluated 2026-07-31.

Conditions:
Juvenile polyposis syndrome (JPS). Identifiers: Orphanet 2929, MedGen C0345893, MONDO:0017380, OMIM 174900.
Hereditary cancer-predisposing syndrome. Also called: Hereditary Cancer Syndrome; Hereditary neoplastic syndrome; Neoplastic Syndromes, Hereditary; Tumor predisposition. Identifiers: Orphanet 140162, MedGen C0027672, MeSH D009386, MONDO:0015356.
Familial thoracic aortic aneurysm and aortic dissection (TAAD). Also called: Thoracic aortic aneurysms and dissections. Identifiers: Orphanet 91387, MedGen C4707243, MONDO:0019625.

Allele frequency attached by ClinVar (database versions not stated): gnomAD exomes below 0.00001.
gnomAD v4.1: 1 of 1,614,040 alleles (0.000062%); highest among the groups gnomAD compares: Non-Finnish European, 0.000085%; no homozygotes.

Submissions (2):

Ambry Genetics
Classification: Uncertain significance for Hereditary cancer-predisposing syndrome; Familial thoracic aortic aneurysm and aortic dissection. Last evaluated: 2026-07-31. Review status: criteria provided, single submitter. Criteria: Ambry Variant Classification Scheme 2023. Collection method: clinical testing. Allele origin: germline.
Comment: The p.D124G variant (also known as c.371A>G), located in coding exon 2 of the SMAD4 gene, results from an A to G substitution at nucleotide position 371. The aspartic acid at codon 124 is replaced by glycine, an amino acid with similar properties. This amino acid position is highly conserved in available vertebrate species. In addition, this alteration is predicted to be deleterious by in silico analysis. Based on the available evidence, the clinical significance of this variant remains unclear.

Labcorp Genetics (formerly Invitae), Labcorp
Classification: Uncertain significance for Juvenile polyposis syndrome. Last evaluated: 2023-05-15. Review status: criteria provided, single submitter. Criteria: Invitae Variant Classification Sherloc (09022015). Collection method: clinical testing. Allele origin: germline.
Comment: In summary, the available evidence is currently insufficient to determine the role of this variant in disease. Therefore, it has been classified as a Variant of Uncertain Significance. Advanced modeling of protein sequence and biophysical properties (such as structural, functional, and spatial information, amino acid conservation, physicochemical variation, residue mobility, and thermodynamic stability) has been performed at Invitae for this missense variant, however the output from this modeling did not meet the statistical confidence thresholds required to predict the impact of this variant on SMAD4 protein function. This variant has not been reported in the literature in individuals affected with SMAD4-related conditions. This variant is not present in population databases (gnomAD no frequency). This sequence change replaces aspartic acid, which is acidic and polar, with glycine, which is neutral and non-polar, at codon 124 of the SMAD4 protein (p.Asp124Gly).

NM_005359.6(SMAD4):c.371A>G (p.Asp124Gly)

Gene: SMAD4 (SMAD family member 4; plus strand). Cytogenetic location: 18q21.2.
Variant type: single nucleotide variant.
Coding change: c.371A>G on transcript NM_005359.6 (MANE Select); coding-DNA position 371, A replaced by G.
Protein change: p.Asp124Gly; replaces aspartic acid 124 with glycine.
Molecular consequence: missense variant. On other transcripts: non-coding transcript variant (2).
Genome position (GRCh38, 1-based): chr18:51,048,807, A>G. VCF-style: chr18-51048807-A-G. GRCh37 (hg19) VCF-style: chr18-48575177-A-G.
Other names: c.371A>G, p.Asp124Gly (NM_001407041.1, NM_001407042.1, NM_001407043.1); short protein forms D124G.
Identifiers: ClinVar variation 2860508 (VCV002860508.5), dbSNP rs750172880, ClinGen allele CA402458619.